The following is an entry in ClinVar:

ClinVar aggregate classification (germline): Likely pathogenic (1 of 4 stars; one submission).

Conditions:
SCOTT SYNDROME (SCTS). Also called: BLEEDING DISORDER, PLATELET-TYPE, 7; Platelet factor X receptor deficiency; PROTHROMBIN CONSUMPTION DEFICIENCY; PROTHROMBIN CONSUMPTION INHIBITOR, FAMILIAL; PROTHROMBIN CONVERSION DEFECT, FAMILIAL; BLEEDING ABNORMALITY DUE TO DEFICIENCY OF PLATELET BINDING OF FACTOR X. Identifiers: Orphanet 806, MedGen C0796149, MONDO:0009885, OMIM 262890.

Submission:

First Genomix Gene Laboratory, Genetic Diagnostics Department
Classification: Likely pathogenic for SCOTT SYNDROME. Last evaluated: 2025-09-19. Review status: criteria provided, single submitter. Criteria: ACMG Guidelines, 2015. Collection method: clinical testing. Allele origin: germline. Inheritance: Autosomal recessive inheritance. Affected: no. Observed: 1 variant allele.

NM_001025356.3(ANO6):c.222dup (p.Tyr75fs)

Gene: ANO6 (anoctamin 6; plus strand). Cytogenetic location: 12q12.
Variant type: Duplication.
Coding change: c.222dup on transcript NM_001025356.3 (MANE Select); coding-DNA position 222, one base duplicated (A; older notation c.222dupA).
Protein change: p.Tyr75fs; shifts the reading frame from tyrosine 75.
Molecular consequence: frameshift variant.
Genome position (GRCh38, 1-based): chr12:45,331,366, A duplicated. VCF-style (leftmost placement, unchanged base first): chr12-45331365-T-TA. GRCh37 (hg19) VCF-style: chr12-45725148-T-TA.
Other names: c.168dup, p.Tyr57fs (NM_001142678.2); c.222dup, p.Tyr75fs (NM_001142679.2); c.285dup, p.Tyr96fs (NM_001204803.2); c.189dup, p.Tyr64fs (NM_001410973.1); short protein forms Y57fs, Y64fs, Y75fs, Y96fs.
Identifiers: ClinVar variation 4850387 (VCV004850387.1).